The following is an entry in ClinVar:

NM_005259.3(MSTN):c.45G>A (p.Leu15=)

Genes: C2orf88 (chromosome 2 open reading frame 88; plus strand), MSTN (myostatin; minus strand). Cytogenetic location: 2q32.2.
Variant type: single nucleotide variant.
Coding change: c.45G>A on transcript NM_005259.3 (MANE Select); coding-DNA position 45, G replaced by A.
Protein change: p.Leu15=; no amino-acid change (leucine 15 retained).
Molecular consequence: synonymous variant.
Genome position (GRCh38, 1-based): chr2:190,062,552, C>T on the plus strand (G>A on the coding strand, the complement: MSTN is on the minus strand). VCF-style: chr2-190062552-C-T. GRCh37 (hg19) VCF-style: chr2-190927278-C-T.
Identifiers: ClinVar variation 3352878 (VCV003352878.1).

ClinVar aggregate classification (germline): Likely benign (0 of 4 stars; one submission).

Conditions:
MSTN-related disorder. Also called: MSTN-related condition.

gnomAD v4.1: 1 of 1,612,950 alleles (0.000062%); highest among the groups gnomAD compares: Non-Finnish European, 0.000085%; no homozygotes.

Submission:

PreventionGenetics, part of Exact Sciences
Classification: Likely benign for MSTN-related condition. Last evaluated: 2019-02-28. Review status: no assertion criteria provided. Collection method: clinical testing. Allele origin: germline.
Comment: This variant is classified as likely benign based on ACMG/AMP sequence variant interpretation guidelines (Richards et al. 2015 PMID: 25741868, with internal and published modifications).